The following is an entry in ClinVar:

ClinVar aggregate classification (germline): Pathogenic/Likely pathogenic. Review status: criteria provided, multiple submitters, no conflicts (2 of 4 stars). 4 submissions from 4 submitters: Pathogenic (1); Likely pathogenic (3). Last evaluated 2025-03-20.

Conditions:
Arthrogryposis multiplex congenita 6. Identifiers: MedGen C5543431, MONDO:0030281, OMIM 619334.
Nemaline myopathy. Also called: Myopathies, Nemaline. Identifiers: Orphanet 607, MedGen C0206157, MONDO:0018958.
Nemaline myopathy 2 (NEM2). Also called: Nemaline myopathy 2, autosomal recessive. Identifiers: MedGen C1850569, MONDO:0009725, OMIM 256030.

Allele frequency attached by ClinVar (database versions not stated): gnomAD exomes below 0.00001; ExAC 0.00001.
gnomAD v4.1: 1 of 1,614,048 alleles (0.000062%); highest among the groups gnomAD compares: Non-Finnish European, 0.000085%; no homozygotes.

Submissions (4):

Broad Center for Mendelian Genomics, Broad Institute of MIT and Harvard
Classification: Likely pathogenic for Nemaline myopathy. Last evaluated: 2025-03-20. Review status: criteria provided, single submitter. Criteria: ACMG Guidelines, 2015. Collection method: curation. Allele origin: germline. Inheritance: Autosomal recessive inheritance.
Comment: The p.Lys1201Ter variant in NEB has not been previously reported in the literature in individuals with nemaline myopathy, but has been identified in 0.000085% (1/1179884) of European (non-Finnish) chromosomes by the Genome Aggregation Database (gnomAD; dbSNP ID: rs748453057). Although this variant has been seen in the general population in a heterozygous state, its frequency is low enough to be consistent with a recessive carrier frequency. This variant has also been reported in ClinVar (Variation ID: 1076082) and has been interpreted as pathogenic by Invitae. This nonsense variant leads to a premature termination codon at position 1201, which is predicted to lead to a truncated or absent protein. Loss of function of the NEB gene is an established disease mechanism in autosomal recessive nemaline myopathy. In summary, although additional studies are required to fully establish its clinical significance, this variant is likely pathogenic for autosomal recessive nemaline myopathy. ACMG/AMP Criteria applied: PVS1, PM2_supporting (Richards 2015).

Natera, Inc.
Classification: Likely pathogenic for Nemaline myopathy type 2. Last evaluated: 2024-12-30. Review status: criteria provided, single submitter. Criteria: Natera Variant Classification Schema (03/2026). Collection method: clinical testing. Allele origin: germline.
Comment: The c.3601A>T variant in NEB is a nonsense variant predicted to introduce a stop codon at amino acid 1201. This variant is expected to result in nonsense mediated decay, truncation, or a dysfunctional protein product. This variant is rare in the general population with a frequency below the threshold expected for the associated phenotype(s). Given the available evidence, this variant is classified as Likely Pathogenic.

Baylor Genetics
Classification: Likely pathogenic for Arthrogryposis multiplex congenita 6. Last evaluated: 2023-07-08. Review status: criteria provided, single submitter. Criteria: ACMG Guidelines, 2015. Collection method: clinical testing. Allele origin: unknown.

Labcorp Genetics (formerly Invitae), Labcorp
Classification: Pathogenic for Nemaline myopathy 2. Last evaluated: 2021-09-05. Review status: criteria provided, single submitter. Criteria: Invitae Variant Classification Sherloc (09022015). Collection method: clinical testing. Allele origin: germline.
Comment: Loss-of-function variants in NEB are known to be pathogenic (PMID: 25205138). Algorithms developed to predict the effect of sequence changes on RNA splicing suggest that this variant may create or strengthen a splice site, but this prediction has not been confirmed by published transcriptional studies. This variant has not been reported in the literature in individuals with NEB-related conditions. This variant is present in population databases (rs748453057, ExAC 0.001%). This sequence change creates a premature translational stop signal (p.Lys1201*) in the NEB gene. It is expected to result in an absent or disrupted protein product. For these reasons, this variant has been classified as Pathogenic.

Literature cited by the submitters: PubMed 25205138 (cited by Labcorp Genetics (formerly Invitae), Labcorp).

NM_001164508.2(NEB):c.3601A>T (p.Lys1201Ter)

Gene: NEB (nebulin; minus strand). Cytogenetic location: 2q23.3.
Variant type: single nucleotide variant.
Coding change: c.3601A>T on transcript NM_001164508.2 (MANE Select); coding-DNA position 3601, A replaced by T.
Protein change: p.Lys1201Ter; replaces lysine 1201 with a stop codon.
Molecular consequence: nonsense.
Genome position (GRCh38, 1-based): chr2:151,677,738, T>A on the plus strand (A>T on the coding strand, the complement: NEB is on the minus strand). VCF-style: chr2-151677738-T-A. GRCh37 (hg19) VCF-style: chr2-152534252-T-A.
Other names: NM_001164508.2(NEB):c.3601A>T; p.Lys1201Ter; c.3601A>T (NM_001271208.1); c.3601A>T, p.Lys1201Ter (NM_001164507.2, NM_001271208.2, NM_004543.5); short protein forms K1201*.
Identifiers: ClinVar variation 1076082 (VCV001076082.10), dbSNP rs748453057, ClinGen allele CA1910865.